The following is an entry in ClinVar:

NM_004297.4(GNA14):c.310-2A>G

Gene: GNA14 (G protein subunit alpha 14; minus strand). Cytogenetic location: 9q21.2.
Variant type: single nucleotide variant.
Coding change: c.310-2A>G on transcript NM_004297.4 (MANE Select); the canonical splice acceptor site of the intron before coding-DNA position 310, A replaced by G.
Molecular consequence: splice acceptor variant.
Genome position (GRCh38, 1-based): chr9:77,434,524, T>C on the plus strand (A>G on the coding strand, the complement: GNA14 is on the minus strand). VCF-style: chr9-77434524-T-C. GRCh37 (hg19) VCF-style: chr9-80049440-T-C.
Identifiers: ClinVar variation 4974592 (VCV004974592.1).

ClinVar aggregate classification (germline): Uncertain significance (1 of 4 stars; one submission).

gnomAD v4.1: 34 of 1,611,576 alleles (0.0021%); highest among the groups gnomAD compares: Middle Eastern, 0.066%; no homozygotes.

Submission:

Clinical Genomics Laboratory, Washington University in St. Louis
Classification: Uncertain significance. Last evaluated: 2026-01-28. Review status: criteria provided, single submitter. Criteria: ACMG Guidelines, 2015. Collection method: clinical testing. Allele origin: germline.
Comment: A GNA14 c.310-2A>G variant was identified at a near-heterozygous allelic fraction of 48%, a frequency which may be consistent with it being of germline origin. This variant, to our knowledge, has not been reported in the medical literature. It is observed on 34/1,611,576 alleles in the general population (gnomAD v4.1.0). Computational predictors indicate that this variant would alter splicing, evidence that correlates with an impact of this variant on the GNA14 function. Due to limited information, and based on ACMG/AMP guidelines for variant interpretation (Richards S et al., PMID: 25741868), the clinical significance of this variant is uncertain at this time.